The following is an entry in ClinVar:

NM_005359.6(SMAD4):c.955+15A>G

Gene: SMAD4 (SMAD family member 4; plus strand). Cytogenetic location: 18q21.2.
Variant type: single nucleotide variant.
Coding change: c.955+15A>G on transcript NM_005359.6 (MANE Select); 15 bases into the intron after coding-DNA position 955, A replaced by G.
Molecular consequence: intron variant.
Genome position (GRCh38, 1-based): chr18:51,059,931, A>G. VCF-style: chr18-51059931-A-G. GRCh37 (hg19) VCF-style: chr18-48586301-A-G.
Identifiers: ClinVar variation 392038 (VCV000392038.16), dbSNP rs185228929, ClinGen allele CA8965960.
Genomic context (GRCh38, chr18:51,059,931, plus strand): 5'-GTTCACAATGAGCTTGCATTCCAGCCTCCCATTTCCAATCATCCTGGTAAGTGTATTTCA[A>G]AATTGATTTCCTGTATTTAGATTGATTTAGTGGTGATTGAAACGCACAAACACAGGCTTT-3'

ClinVar aggregate classification (germline): Likely benign. Review status: criteria provided, multiple submitters, no conflicts (2 of 4 stars). 5 submissions from 5 submitters: Likely benign (5). Last evaluated 2025-12-15.

Conditions:
Juvenile polyposis syndrome (JPS). Identifiers: Orphanet 2929, MedGen C0345893, MONDO:0017380, OMIM 174900.
Hereditary cancer-predisposing syndrome. Also called: Tumor predisposition; Neoplastic Syndromes, Hereditary; Hereditary neoplastic syndrome; Hereditary Cancer Syndrome. Identifiers: Orphanet 140162, MedGen C0027672, MeSH D009386, MONDO:0015356.

Allele frequency attached by ClinVar (database versions not stated): gnomAD exomes below 0.00001 and 0.00001; gnomAD 0.00001; ExAC 0.00002; 1000 Genomes Project 0.00020; 1000 Genomes Project 30x 0.00031.
gnomAD v4.1: 6 of 1,597,486 alleles (0.00038%); highest among the groups gnomAD compares: East Asian, 0.0089%; no homozygotes.

Submissions (5):

Labcorp Genetics (formerly Invitae), Labcorp
Classification: Likely benign for Juvenile polyposis syndrome. Last evaluated: 2025-12-15. Review status: criteria provided, single submitter. Criteria: Invitae Variant Classification Sherloc (09022015). Collection method: clinical testing. Allele origin: germline.

Center for Genomic Medicine, Rigshospitalet, Copenhagen University Hospital
Classification: Likely benign. Last evaluated: 2025-03-04. Review status: criteria provided, single submitter. Criteria: ACMG Guidelines, 2015. Collection method: clinical testing. Allele origin: germline.

Blueprint Genetics
Classification: Likely benign. Last evaluated: 2022-03-11. Review status: criteria provided, single submitter. Criteria: ACMG Guidelines, 2015. Collection method: clinical testing. Allele origin: germline.

Color Diagnostics, LLC DBA Color Health
Classification: Likely benign for Hereditary cancer-predisposing syndrome. Last evaluated: 2017-01-09. Review status: criteria provided, single submitter. Criteria: ACMG Guidelines, 2015. Collection method: clinical testing. Allele origin: germline.

GeneDx
Classification: Likely benign. Last evaluated: 2016-12-15. Review status: criteria provided, single submitter. Criteria: GeneDx Variant Classification (06012015). Collection method: clinical testing. Allele origin: germline. Affected: yes.
Comment: This variant is considered likely benign or benign based on one or more of the following criteria: it is a conservative change, it occurs at a poorly conserved position in the protein, it is predicted to be benign by multiple in silico algorithms, and/or has population frequency not consistent with disease.